The following is an entry in ClinVar:

ClinVar aggregate classification (germline): Uncertain significance (1 of 4 stars; one submission).

Submission:

Ambry Genetics
Classification: Uncertain significance. Last evaluated: 2024-12-07. Review status: criteria provided, single submitter. Criteria: Ambry Variant Classification Scheme 2023. Collection method: clinical testing. Allele origin: germline.
Comment: The p.L980P variant (also known as c.2939T>C), located in coding exon 11 of the WNK2 gene, results from a T to C substitution at nucleotide position 2939. The leucine at codon 980 is replaced by proline, an amino acid with similar properties. This amino acid position is conserved. In addition, this alteration is predicted to be tolerated by in silico analysis. Based on the available evidence, the clinical significance of this variant remains unclear.

NM_006648.4(WNK2):c.2939T>C (p.Leu980Pro)

Gene: WNK2 (WNK lysine deficient protein kinase 2; plus strand). Cytogenetic location: 9q22.31.
Variant type: single nucleotide variant.
Coding change: c.2939T>C on transcript NM_006648.4 (MANE Select); coding-DNA position 2939, T replaced by C.
Protein change: p.Leu980Pro; replaces leucine 980 with proline.
Molecular consequence: missense variant.
Genome position (GRCh38, 1-based): chr9:93,259,487, T>C. VCF-style: chr9-93259487-T-C. GRCh37 (hg19) VCF-style: chr9-96021769-T-C.
Other names: c.2939T>C, p.Leu980Pro (NM_001282394.3); short protein forms L980P.
Identifiers: ClinVar variation 3470634 (VCV003470634.1).